The following is an entry in ClinVar:

ClinVar aggregate classification (germline): Uncertain significance (1 of 4 stars; one submission).

Conditions:
Marfan syndrome (MFS). Also called: Marfan syndrome type 1; Marfan's syndrome; FBN1-Related Marfan Syndrome; MARFAN SYNDROME, TYPE I; Marfan syndrome, classic. Identifiers: Orphanet 284963, Orphanet 558, MedGen C0024796, MONDO:0007947, OMIM 154700.
Familial thoracic aortic aneurysm and aortic dissection (TAAD). Also called: Thoracic aortic aneurysms and dissections. Identifiers: Orphanet 91387, MedGen C4707243, MONDO:0019625.

Submission:

Labcorp Genetics (formerly Invitae), Labcorp
Classification: Uncertain significance for Marfan syndrome; Familial thoracic aortic aneurysm and aortic dissection. Last evaluated: 2022-11-01. Review status: criteria provided, single submitter. Criteria: Invitae Variant Classification Sherloc (09022015). Collection method: clinical testing. Allele origin: germline.
Comment: This sequence change replaces glycine, which is neutral and non-polar, with glutamic acid, which is acidic and polar, at codon 714 of the FBN1 protein (p.Gly714Glu). This variant is not present in population databases (gnomAD no frequency). This variant has not been reported in the literature in individuals affected with FBN1-related conditions. Advanced modeling of protein sequence and biophysical properties (such as structural, functional, and spatial information, amino acid conservation, physicochemical variation, residue mobility, and thermodynamic stability) performed at Invitae indicates that this missense variant is expected to disrupt FBN1 protein function. In summary, the available evidence is currently insufficient to determine the role of this variant in disease. Therefore, it has been classified as a Variant of Uncertain Significance. ClinVar contains an entry for this variant (Variation ID: 1353482).

NM_000138.5(FBN1):c.2141G>A (p.Gly714Glu)

Gene: FBN1 (fibrillin 1; minus strand). Cytogenetic location: 15q21.1.
Variant type: single nucleotide variant.
Coding change: c.2141G>A on transcript NM_000138.5 (MANE Select); coding-DNA position 2141, G replaced by A.
Protein change: p.Gly714Glu; replaces glycine 714 with glutamic acid.
Molecular consequence: missense variant.
Genome position (GRCh38, 1-based): chr15:48,499,011, C>T on the plus strand (G>A on the coding strand, the complement: FBN1 is on the minus strand). VCF-style: chr15-48499011-C-T. GRCh37 (hg19) VCF-style: chr15-48791208-C-T.
Other names: short protein forms G714E.
Identifiers: ClinVar variation 1353482 (VCV001353482.6), dbSNP rs2141308882, ClinGen allele CA392336249.